The following is an entry in ClinVar:

NM_203447.4(DOCK8):c.2095A>G (p.Met699Val)

Gene: DOCK8 (dedicator of cytokinesis 8; plus strand). Cytogenetic location: 9p24.3.
Variant type: single nucleotide variant.
Coding change: c.2095A>G on transcript NM_203447.4 (MANE Select); coding-DNA position 2095, A replaced by G.
Protein change: p.Met699Val; replaces methionine 699 with valine.
Molecular consequence: missense variant.
Genome position (GRCh38, 1-based): chr9:372,272, A>G. VCF-style: chr9-372272-A-G. GRCh37 (hg19) VCF-style: chr9-372272-A-G.
Other names: c.1891A>G, p.Met631Val (NM_001190458.2, NM_001193536.2); short protein forms M699V, M631V.
Identifiers: ClinVar variation 1929310 (VCV001929310.4), dbSNP rs1047605785, ClinGen allele CA187809706.

ClinVar aggregate classification (germline): Uncertain significance (1 of 4 stars; one submission).

Conditions:
Combined immunodeficiency due to DOCK8 deficiency (HIES2). Also called: Hyper-IgE recurrent infection syndrome, autosomal recessive; HIES autosomal recessive; DOCK8 Deficiency; HYPER-IgE RECURRENT INFECTION SYNDROME 2, AUTOSOMAL RECESSIVE; HYPER-IgE SYNDROME 2, AUTOSOMAL RECESSIVE, WITH RECURRENT INFECTIONS. Identifiers: Orphanet 217390, MedGen C4722305, MONDO:0009478, OMIM 243700.

Allele frequency attached by ClinVar (database versions not stated): gnomAD 0.00001.
gnomAD v4.1: 7 of 1,613,748 alleles (0.00043%); highest among the groups gnomAD compares: African/African-American, 0.0027%; no homozygotes.

Submission:

Labcorp Genetics (formerly Invitae), Labcorp
Classification: Uncertain significance for Combined immunodeficiency due to DOCK8 deficiency. Last evaluated: 2025-04-17. Review status: criteria provided, single submitter. Criteria: Invitae Variant Classification Sherloc (09022015). Collection method: clinical testing. Allele origin: germline.
Comment: This sequence change replaces methionine, which is neutral and non-polar, with valine, which is neutral and non-polar, at codon 699 of the DOCK8 protein (p.Met699Val). This variant is present in population databases (no rsID available, gnomAD no frequency). This variant has not been reported in the literature in individuals affected with DOCK8-related conditions. ClinVar contains an entry for this variant (Variation ID: 1929310). Invitae Evidence Modeling of protein sequence and biophysical properties (such as structural, functional, and spatial information, amino acid conservation, physicochemical variation, residue mobility, and thermodynamic stability) indicates that this missense variant is not expected to disrupt DOCK8 protein function with a negative predictive value of 80%. In summary, the available evidence is currently insufficient to determine the role of this variant in disease. Therefore, it has been classified as a Variant of Uncertain Significance.